The following is an entry in ClinVar:

NM_003002.4(SDHD):c.286G>A (p.Ala96Thr)

Gene: SDHD (succinate dehydrogenase complex subunit D; plus strand). Cytogenetic location: 11q23.1.
Variant type: single nucleotide variant.
Coding change: c.286G>A on transcript NM_003002.4 (MANE Select); coding-DNA position 286, G replaced by A.
Protein change: p.Ala96Thr; replaces alanine 96 with threonine.
Molecular consequence: missense variant. On other transcripts: non-coding transcript variant (1), intron variant (1).
Genome position (GRCh38, 1-based): chr11:112,088,983, G>A. VCF-style: chr11-112088983-G-A. GRCh37 (hg19) VCF-style: chr11-111959707-G-A.
Other names: c.169G>A, p.Ala57Thr (NM_001276504.2); c.286G>A, p.Ala96Thr (NM_001276506.2); c.169+1010G>A (NM_001276503.2); short protein forms A96T, A57T.
Identifiers: ClinVar variation 1469485 (VCV001469485.8), dbSNP rs1265437700, ClinGen allele CA382617379.

ClinVar aggregate classification (germline): Uncertain significance (1 of 4 stars; one submission).

Conditions:
Carney-Stratakis syndrome. Also called: PARAGANGLIOMA AND GASTROINTESTINAL STROMAL TUMOR. Identifiers: Orphanet 97286, MedGen C1847319, MONDO:0011740, OMIM 606864.
Cowden syndrome 3 (CWS3). Identifiers: Orphanet 201, MedGen CN166604, MONDO:0014045.
Paragangliomas with sensorineural hearing loss. Identifiers: MedGen C1868633.
Pheochromocytoma. Also called: MAX-Related Hereditary Paraganglioma-Pheochromocytoma Syndrome. Identifiers: Orphanet 29072, MedGen C0031511, MONDO:0008233, OMIM 171300, HP:0002666.

Allele frequency attached by ClinVar (database versions not stated): gnomAD exomes below 0.00001.
gnomAD v4.1: 1 of 1,614,132 alleles (0.000062%); highest among the groups gnomAD compares: East Asian, 0.0022%; no homozygotes.

Submission:

Labcorp Genetics (formerly Invitae), Labcorp
Classification: Uncertain significance for Carney-Stratakis syndrome; Paragangliomas with sensorineural hearing loss; Pheochromocytoma; Cowden syndrome 3. Last evaluated: 2021-07-15. Review status: criteria provided, single submitter. Criteria: Invitae Variant Classification Sherloc (09022015). Collection method: clinical testing. Allele origin: germline.
Comment: This sequence change replaces alanine with threonine at codon 96 of the SDHD protein (p.Ala96Thr). The alanine residue is moderately conserved and there is a small physicochemical difference between alanine and threonine. This variant is not present in population databases (ExAC no frequency). This variant has not been reported in the literature in individuals affected with SDHD-related conditions. Advanced modeling of protein sequence and biophysical properties (such as structural, functional, and spatial information, amino acid conservation, physicochemical variation, residue mobility, and thermodynamic stability) performed at Invitae indicates that this missense variant is expected to disrupt SDHD protein function. In summary, the available evidence is currently insufficient to determine the role of this variant in disease. Therefore, it has been classified as a Variant of Uncertain Significance.